The following is an entry in ClinVar:

ClinVar aggregate classification (germline): Conflicting classifications of pathogenicity. Review status: criteria provided, conflicting classifications (1 of 4 stars). 8 submissions from 8 submitters: Pathogenic (4); Likely pathogenic (2); Uncertain significance (2). Last evaluated 2026-05-26.

Conditions:
PKD1-related disorder. Also called: PKD1-related condition.
Polycystic kidney disease, adult type (PKD1). Also called: POLYCYSTIC KIDNEY DISEASE, ADULT, TYPE I; Polycystic Kidney Disease 1, Autosomal Dominant; Polycystic kidney disease 1; Polycystic kidney disease 1, severe; Polycystic Kidney, Autosomal Dominant; POLYCYSTIC KIDNEY DISEASE 1 WITH OR WITHOUT POLYCYSTIC LIVER DISEASE. Identifiers: MedGen C3149841, MONDO:0008263, OMIM 173900.

Allele frequency attached by ClinVar (database versions not stated): gnomAD exomes below 0.00001 and 0.00001.
gnomAD v4.1: 5 of 1,610,098 alleles (0.00031%); highest among the groups gnomAD compares: Non-Finnish European, 0.00017%; no homozygotes.

Submissions (8):

PreventionGenetics, part of Exact Sciences
Classification: Pathogenic for PKD1-related condition. Last evaluated: 2026-05-26. Review status: criteria provided, single submitter. Criteria: ACMG Guidelines, 2015. Collection method: clinical testing. Allele origin: germline.
Comment: The PKD1 c.9412G>A variant is predicted to result in the amino acid substitution p.Val3138Met. This variant has been repeatedly reported in individuals with autosomal dominant polycystic kidney disease (ADPKD) (see for example: Peltola et al. 2005. PubMed ID: 15772804; Trujillano et al. 2014. PubMed ID: 25333066; Carrera et al. 2016. PubMed ID: 27499327; Xu et al. 2018. PubMed ID: 29529603). At PreventionGenetics, this variant has been observed in multiple individuals tested for ADPKD. This variant is reported in 0.0094% of alleles in individuals of European (Finnish) descent in gnomAD. This variant is interpreted as pathogenic.

Victorian Clinical Genetics Services, Murdoch Childrens Research Institute
Classification: Pathogenic for Polycystic kidney disease, adult type. Last evaluated: 2025-06-30. Review status: criteria provided, single submitter. Criteria: ACMG Guidelines, 2015. Collection method: clinical testing. Allele origin: germline. Affected: yes.
Comment: This variant is classified as Pathogenic. Evidence in support of pathogenic classification: Variant is present in gnomAD <0.001 for a dominant condition (v4: 5 heterozygote(s), 0 homozygote(s)); This variant has strong previous evidence of pathogenicity in unrelated individuals. This variant has been reported as likely pathogenic/pathogenic by multiple clinical laboratories in ClinVar and reported in multiple individuals with polycystic kidney disease in the literature (PMID: 15772804, 29529603, 22508176, 25333066, 27499327). Additional information: Variant is predicted to result in a missense amino acid change from Val to Met; This variant is heterozygous; This gene is associated with autosomal dominant disease. Polycystic kidney disease 1 (MIM#173900) is predominantly caused by monoallelic variants, with rare reports of biallelic variants causing disease (OMIM); No published functional evidence has been identified for this variant; Other missense variants comparable to the one identified in this case have conflicting previous evidence for pathogenicity. A p.(Val3138Glu) change has been classified as likely pathogenic by multiple clinical laboratories (ClinVar). Additionally, p.(Val3138Leu) has been classified as a VUS by multiple clinical laboratories in ClinVar; Variant is located in the annotated PLAT/LH2 domain (DECIPHER); Missense variant with inconclusive in silico prediction and uninformative conservation; Loss of function is a known mechanism of disease in this gene and is associated with polycystic kidney disease 1 (MIM#173900); Inheritance information for this variant is not currently available in this individual.

Women's Health and Genetics/Laboratory Corporation of America, LabCorp
Classification: Likely pathogenic for Polycystic kidney disease, adult type. Last evaluated: 2025-03-17. Review status: criteria provided, single submitter. Criteria: LabCorp Variant Classification Summary - May 2015. Collection method: clinical testing. Allele origin: germline.
Comment: Variant summary: PKD1 c.9412G>A (p.Val3138Met) results in a conservative amino acid change in the encoded protein sequence. Four of five in-silico tools predict a damaging effect of the variant on protein function. The variant allele was found at a frequency of 8.1e-06 in 246186 control chromosomes. c.9412G>A has been reported in the literature in individuals affected with autosomal dominant Polycystic Kidney Disease 1. These data indicate that the variant is likely to be associated with disease. To our knowledge, no experimental evidence demonstrating an impact on protein function has been reported. The following publications have been ascertained in the context of this evaluation (PMID: 15772804, 25333066, 29529603, 36938073). ClinVar contains an entry for this variant (Variation ID: 1331619). Based on the evidence outlined above, the variant was classified as likely pathogenic.

Fulgent Genetics
Classification: Likely pathogenic for Polycystic kidney disease, adult type. Last evaluated: 2024-03-22. Review status: criteria provided, single submitter. Criteria: ACMG Guidelines, 2015. Collection method: clinical testing. Allele origin: germline.

Athena Diagnostics
Classification: Pathogenic. Last evaluated: 2023-02-16. Review status: criteria provided, single submitter. Criteria: Athena Diagnostics Criteria. Collection method: clinical testing. Allele origin: unknown.
Comment: The frequency of this variant in the general population is consistent with pathogenicity. This variant has been identified in multiple unrelated individuals with clinical features associated with this gene and associates with disease in multiple families. Computational tools predict that this variant is damaging.

GeneDx
Classification: Uncertain significance. Last evaluated: 2023-02-13. Review status: criteria provided, single submitter. Criteria: GeneDx Variant Classification Process June 2021. Collection method: clinical testing. Allele origin: germline. Affected: yes.
Comment: In silico analysis supports that this missense variant has a deleterious effect on protein structure/function; This variant is associated with the following publications: (PMID: 29529603, 27499327, 15772804, 22508176, 25333066)

Blueprint Genetics
Classification: Pathogenic for PKD1-related disorders. Last evaluated: 2021-09-21. Review status: criteria provided, single submitter. Criteria: ACMG Guidelines, 2015. Collection method: clinical testing. Allele origin: germline. Affected: yes. Observed: 5 variant alleles.

Greenwood Genetic Center Diagnostic Laboratories, Greenwood Genetic Center
Classification: Uncertain significance. Last evaluated: 2021-03-17. Review status: criteria provided, single submitter. Criteria: ACMG Guidelines, 2015. Collection method: clinical testing. Allele origin: germline. Affected: yes.
Comment: PP1, PP3, PM2

Literature cited by the submitters: PubMed 15772804 (cited by 3 submitters); PubMed 29529603 (cited by 3 submitters); PubMed 25333066 (cited by 3 submitters); PubMed 27499327 (cited by Victorian Clinical Genetics Services, Murdoch Childrens Research Institute and Athena Diagnostics); PubMed 22508176 (cited by Victorian Clinical Genetics Services, Murdoch Childrens Research Institute); PubMed 36938073 (cited by Women's Health and Genetics/Laboratory Corporation of America, LabCorp).

NM_001009944.3(PKD1):c.9412G>A (p.Val3138Met)

Gene: PKD1 (polycystin 1, transient receptor potential channel interacting; minus strand). Cytogenetic location: 16p13.3.
Variant type: single nucleotide variant.
Coding change: c.9412G>A on transcript NM_001009944.3 (MANE Select); coding-DNA position 9412, G replaced by A.
Protein change: p.Val3138Met; replaces valine 3138 with methionine.
Molecular consequence: missense variant.
Genome position (GRCh38, 1-based): chr16:2,100,552, C>T on the plus strand (G>A on the coding strand, the complement: PKD1 is on the minus strand). VCF-style: chr16-2100552-C-T. GRCh37 (hg19) VCF-style: chr16-2150553-C-T.
Other names: c.9412G>A (NM_000296.3, NM_001009944.2); c.9412G>A, p.Val3138Met (NM_000296.4); short protein forms V3138M.
Identifiers: ClinVar variation 1331619 (VCV001331619.14), dbSNP rs1358566538, ClinGen allele CA394356652.